The following is an entry in ClinVar:

NM_001165958.2(GSDMB):c.147C>T (p.Cys49=)

Genes: GSDMB (gasdermin B; minus strand), LOC111089947 (GSDMB 5' regulatory region; plus strand). Cytogenetic location: 17q21.1.
Variant type: single nucleotide variant.
Coding change: c.147C>T on transcript NM_001165958.2 (MANE Select); coding-DNA position 147, C replaced by T.
Protein change: p.Cys49=; no amino-acid change (cysteine 49 retained).
Molecular consequence: synonymous variant. On other transcripts: non-coding transcript variant (5).
Genome position (GRCh38, 1-based): chr17:39,917,170, G>A on the plus strand (C>T on the coding strand, the complement: GSDMB is on the minus strand). VCF-style: chr17-39917170-G-A. GRCh37 (hg19) VCF-style: chr17-38073423-G-A.
Other names: c.147C>T, p.Cys49= (NM_001042471.2, NM_001165959.2, NM_001369402.2 and 6 more transcripts).
Identifiers: ClinVar variation 2647729 (VCV002647729.24), dbSNP rs903168013, ClinGen allele CA290446241.

ClinVar aggregate classification (germline): Likely benign (1 of 4 stars; one submission).

Allele frequency attached by ClinVar (database versions not stated): gnomAD exomes 0.00001; gnomAD 0.00003; TOPMed 0.00005.
gnomAD v4.1: 17 of 1,613,890 alleles (0.0011%); highest among the groups gnomAD compares: African/African-American, 0.019%; no homozygotes.

Submission:

CeGaT Center for Human Genetics Tuebingen
Classification: Likely benign. Last evaluated: 2022-03-01. Review status: criteria provided, single submitter. Criteria: CeGaT Center For Human Genetics Tuebingen Variant Classification Criteria Version 2. Collection method: clinical testing. Allele origin: germline. Affected: yes. Observed: 1 variant allele.
Comment: GSDMB: BP4, BP7